The following is an entry in ClinVar:

ClinVar aggregate classification (germline): Likely benign. Review status: reviewed by expert panel (3 of 4 stars). 10 submissions from 10 submitters: Likely benign (1). 9 of the submissions do not count toward it. Last evaluated 2017-06-29.

Conditions:
Hereditary breast ovarian cancer syndrome. Also called: Breast and ovarian cancer; Hereditary breast and ovarian cancer; Hereditary breast and ovarian cancer syndrome; Hereditary breast and/or ovarian cancer syndrome; BRCA1- and BRCA2-Associated Hereditary Breast and Ovarian Cancer; Hereditary breast and ovarian cancer syndrome (HBOC). Identifiers: Orphanet 145, MedGen C0677776, MeSH D061325, MONDO:0003582. Disease mechanism: loss of function.
Breast-ovarian cancer, familial, susceptibility to, 1 (BROVCA1). Also called: BRCA1 Hereditary Breast and Ovarian Cancer; OVARIAN CANCER, SUSCEPTIBILITY TO. Identifiers: Orphanet 145, MedGen C2676676, MONDO:0011450, OMIM 604370. Disease mechanism: loss of function.
Hereditary cancer-predisposing syndrome. Also called: Tumor predisposition; Hereditary Cancer Syndrome; Neoplastic Syndromes, Hereditary; Hereditary neoplastic syndrome. Identifiers: Orphanet 140162, MedGen C0027672, MeSH D009386, MONDO:0015356.

Allele frequency attached by ClinVar (database versions not stated): ExAC 0.00001; gnomAD exomes 0.00001.
gnomAD v4.1: 10 of 1,614,238 alleles (0.00062%); highest among the groups gnomAD compares: South Asian, 0.0044%; no homozygotes.

Submissions (11):

Evidence-based Network for the Interpretation of Germline Mutant Alleles (ENIGMA)
Classification: Likely benign for Breast-ovarian cancer, familial, susceptibility to, 1. Last evaluated: 2017-06-29. Review status: reviewed by expert panel. Criteria: ENIGMA BRCA1/2 Classification Criteria (2017-06-29). Collection method: curation. Allele origin: germline.
Comment: Synonymous substitution variant, with low bioinformatic likelihood to result in a splicing aberration (Splicing prior probability 0.02).

Labcorp Genetics (formerly Invitae), Labcorp
Classification: Likely benign for Hereditary breast ovarian cancer syndrome. Last evaluated: 2026-01-19. Review status: criteria provided, single submitter. Criteria: Invitae Variant Classification Sherloc (09022015). Collection method: clinical testing. Allele origin: germline. Not counted in ClinVar's aggregate classification.

Center for Genomic Medicine, Rigshospitalet, Copenhagen University Hospital
Classification: Likely benign. Last evaluated: 2025-03-04. Review status: criteria provided, single submitter. Criteria: ACMG Guidelines, 2015. Collection method: clinical testing. Allele origin: germline. Not counted in ClinVar's aggregate classification.

All of Us Research Program, National Institutes of Health
Classification: Likely benign for Breast-ovarian cancer, familial, susceptibility to, 1. Last evaluated: 2023-12-18. Review status: criteria provided, single submitter. Criteria: ACMG Guidelines, 2015. Collection method: clinical testing. Allele origin: germline. Inheritance: Autosomal dominant inheritance. Observed: 2 variant alleles, 2 heterozygotes. Not counted in ClinVar's aggregate classification.
Comment: This study involves interpretation of variants in research participants for the purpose of population health screening. Participant phenotype was not available at the time of variant classification. Additional details can be found in publication PMID: 35346344, PMCID: PMC8962531

Sema4
Classification: Likely benign for Hereditary cancer-predisposing syndrome. Last evaluated: 2022-03-18. Review status: criteria provided, single submitter. Criteria: Sema4 Curation Guidelines. Collection method: curation. Allele origin: germline. Not counted in ClinVar's aggregate classification.

Women's Health and Genetics/Laboratory Corporation of America, LabCorp
Classification: Likely benign. Last evaluated: 2020-06-08. Review status: criteria provided, single submitter. Criteria: LabCorp Variant Classification Summary - May 2015. Collection method: clinical testing. Allele origin: germline. Not counted in ClinVar's aggregate classification.

Quest Diagnostics Nichols Institute San Juan Capistrano
Classification: Likely benign. Last evaluated: 2019-07-25. Review status: criteria provided, single submitter. Criteria: Quest Diagnostics criteria. Collection method: clinical testing. Allele origin: germline. Not counted in ClinVar's aggregate classification.

Color Diagnostics, LLC DBA Color Health
Classification: Likely benign for Hereditary cancer-predisposing syndrome. Last evaluated: 2017-04-28. Review status: criteria provided, single submitter. Criteria: ACMG Guidelines, 2015. Collection method: clinical testing. Allele origin: germline. Not counted in ClinVar's aggregate classification.

GeneDx
Classification: Likely benign. Last evaluated: 2016-11-15. Review status: criteria provided, single submitter. Criteria: GeneDx Variant Classification (06012015). Collection method: clinical testing. Allele origin: germline. Affected: yes. Not counted in ClinVar's aggregate classification.
Comment: This variant is considered likely benign or benign based on one or more of the following criteria: it is a conservative change, it occurs at a poorly conserved position in the protein, it is predicted to be benign by multiple in silico algorithms, and/or has population frequency not consistent with disease.

Ambry Genetics
Classification: Likely benign for Hereditary cancer-predisposing syndrome. Last evaluated: 2015-01-28. Review status: criteria provided, single submitter. Criteria: Ambry Variant Classification Scheme 2023. Collection method: clinical testing. Allele origin: germline. Not counted in ClinVar's aggregate classification.

Brotman Baty Institute, University of Washington
No classification provided (evidence only). Condition: Breast-ovarian cancer, familial 1. Review status: no classification provided. Collection method: in vitro. Allele origin: not applicable. Functional consequence: functionally_normal. Not counted in ClinVar's aggregate classification.
ClinVar note: "not provided" was previously submitted as the classification for the variant. However, the classification appeared to be based only on an observation of functional data so it was converted to no classification on 2025-07-30.

NM_007294.4(BRCA1):c.5439T>C (p.Asp1813=)

Gene: BRCA1 (BRCA1 DNA repair associated; minus strand). Cytogenetic location: 17q21.31.
Variant type: single nucleotide variant.
Coding change: c.5439T>C on transcript NM_007294.4 (MANE Select); coding-DNA position 5439, T replaced by C.
Protein change: p.Asp1813=; no amino-acid change (aspartic acid 1813 retained).
Molecular consequence: synonymous variant. On other transcripts: missense variant (17).
Genome position (GRCh38, 1-based): chr17:43,047,671, A>G on the plus strand (T>C on the coding strand, the complement: BRCA1 is on the minus strand). VCF-style: chr17-43047671-A-G. GRCh37 (hg19) VCF-style: chr17-41199688-A-G.
Other names: c.2127T>C, p.Asp709= (NM_001407979.1, NM_001407980.1, NM_001407981.1 and 11 more transcripts); c.2124T>C, p.Asp708= (NM_001408392.1, NM_001408396.1, NM_001408397.1 and 7 more transcripts); c.2121T>C, p.Asp707= (NM_001408406.1, NM_001408407.1, NM_001408408.1); c.2118T>C, p.Asp706= (NM_001408409.1); c.2055T>C, p.Asp685= (NM_001408410.1); c.2052T>C, p.Asp684= (NM_001408411.1); c.2049T>C, p.Asp683= (NM_001408412.1, NM_001408413.1, NM_001408414.1 and 2 more transcripts); c.2013T>C, p.Asp671= (NM_001408418.1, NM_001408419.1, NM_001408420.1); and 83 more; short protein forms C685R, C1789R, C684R, C1742R, C1747R, C1788R, C1741R, C1746R.
Identifiers: ClinVar variation 230363 (VCV000230363.26), dbSNP rs760396669, ClinGen allele CA055035.